The following is an entry in ClinVar:

ClinVar aggregate classification (germline): Uncertain significance (1 of 4 stars; one submission).

gnomAD v4.1: 20 of 1,606,694 alleles (0.0012%); highest among the groups gnomAD compares: Non-Finnish European, 0.0014%; no homozygotes.

Submission:

Labcorp Genetics (formerly Invitae), Labcorp
Classification: Uncertain significance. Last evaluated: 2025-06-09. Review status: criteria provided, single submitter. Criteria: Invitae Variant Classification Sherloc (09022015). Collection method: clinical testing. Allele origin: germline.
Comment: This sequence change replaces valine, which is neutral and non-polar, with aspartic acid, which is acidic and polar, at codon 391 of the RTTN protein (p.Val391Asp). This variant is present in population databases (no rsID available, gnomAD 0.007%). This variant has not been reported in the literature in individuals affected with RTTN-related conditions. ClinVar contains an entry for this variant (Variation ID: 3611752). Invitae Evidence Modeling of protein sequence and biophysical properties (such as structural, functional, and spatial information, amino acid conservation, physicochemical variation, residue mobility, and thermodynamic stability) indicates that this missense variant is not expected to disrupt RTTN protein function with a negative predictive value of 80%. In summary, the available evidence is currently insufficient to determine the role of this variant in disease. Therefore, it has been classified as a Variant of Uncertain Significance.

NM_173630.4(RTTN):c.1172T>A (p.Val391Asp)

Gene: RTTN (rotatin; minus strand). Cytogenetic location: 18q22.2.
Variant type: single nucleotide variant.
Coding change: c.1172T>A on transcript NM_173630.4 (MANE Select); coding-DNA position 1172, T replaced by A.
Protein change: p.Val391Asp; replaces valine 391 with aspartic acid.
Molecular consequence: missense variant. On other transcripts: 5 prime UTR variant (1).
Genome position (GRCh38, 1-based): chr18:70,190,555, A>T on the plus strand (T>A on the coding strand, the complement: RTTN is on the minus strand). VCF-style: chr18-70190555-A-T. GRCh37 (hg19) VCF-style: chr18-67857791-A-T.
Other names: c.-1382T>A (NM_001318520.2); short protein forms V391D.
Identifiers: ClinVar variation 3611752 (VCV003611752.2).